The following is an entry in ClinVar:

ClinVar aggregate classification (germline): Likely benign (1 of 4 stars; one submission).

Conditions:
Familial cancer of breast. Also called: hereditary breast carcinoma; BREAST CANCER, FAMILIAL; Hereditary breast cancer. Identifiers: Orphanet 227535, MedGen C0346153, MONDO:0016419, OMIM 114480. Disease mechanism: loss of function.

Submission:

Myriad Genetics, Inc.
Classification: Likely benign for Familial cancer of breast. Last evaluated: 2024-06-20. Review status: criteria provided, single submitter. Criteria: Myriad Autosomal Dominant, Autosomal Recessive and X-Linked Classification Criteria (2023). Collection method: clinical testing. Allele origin: unknown.
Comment: This variant is considered likely benign. This variant is intronic and is not expected to impact mRNA splicing.

NM_000051.4(ATM):c.8585-13C>T

Genes: ATM (ATM serine/threonine kinase; plus strand), C11orf65 (chromosome 11 open reading frame 65; minus strand). Cytogenetic location: 11q22.3.
Variant type: single nucleotide variant.
Coding change: c.8585-13C>T on transcript NM_000051.4 (MANE Select); 13 bases into the intron before coding-DNA position 8585, C replaced by T.
Molecular consequence: intron variant.
Genome position (GRCh38, 1-based): chr11:108,347,266, C>T. VCF-style: chr11-108347266-C-T. GRCh37 (hg19) VCF-style: chr11-108217993-C-T.
Other names: c.8585-13C>T (NM_001351834.2); c.641-38195G>A (NM_001330368.2); c.695-11974G>A (NM_001351110.2).
Identifiers: ClinVar variation 3254484 (VCV003254484.1), dbSNP rs2137077094.
Genomic context (GRCh38, chr11:108,347,266, plus strand): 5'-ATTGAAATTATGGCTATATATTAGAAAGAGATGGAATCAGTGATTTCAGATTGTTTGTTT[C>T]TTTTTTCTCCAGTTGGTTACATACTTGGACTTGGTGATAGACATGTACAGAATATCTTGA-3'